The following is an entry in ClinVar:

ClinVar aggregate classification (germline): Uncertain significance (1 of 4 stars; one submission).

Submission:

GeneDx
Classification: Uncertain significance. Last evaluated: 2021-04-27. Review status: criteria provided, single submitter. Criteria: GeneDx Variant Classification Process June 2021. Collection method: clinical testing. Allele origin: germline. Affected: yes.
Comment: Has not been previously published as pathogenic or benign to our knowledge; Not observed in large population cohorts (Lek et al., 2016); In-silico analysis, which includes splice predictors and evolutionary conservation, does not predict an affect on splicing. In the absence of RNA/functional studies, the actual effect of this sequence change is unknown.

NM_001372044.2(SHANK3):c.4040G>A (p.Ser1347Asn)

Gene: SHANK3 (SH3 and multiple ankyrin repeat domains 3; plus strand). Cytogenetic location: 22q13.33.
Variant type: single nucleotide variant.
Coding change: c.4040G>A on transcript NM_001372044.2 (MANE Select); coding-DNA position 4040, G replaced by A.
Protein change: p.Ser1347Asn; replaces serine 1347 with asparagine.
Molecular consequence: missense variant.
Genome position (GRCh38, 1-based): chr22:50,721,648, G>A. VCF-style: chr22-50721648-G-A. GRCh37 (hg19) VCF-style: chr22-51160076-G-A.
Other names: c.3815G>A (NM_033517.1); short protein forms S1347N.
Identifiers: ClinVar variation 1314874 (VCV001314874.2), dbSNP rs2146832312, ClinGen allele CA515263093.
Genomic context (GRCh38, chr22:50,721,648, plus strand): 5'-CCAGCCCCCGGGCCCAGCCCCCTGGTGGCACCCCGGCAGACGCCGGGCCAGGCCAGGGCA[G>A]CTCAGAGGAAGAGCCAGAGCTGGTGTTTGCTGTGAACCTGCCACCTGCCCAGCTGTCGTC-3'
Protein context (NP_001358973.1, residues 1337-1357): TPADAGPGQG[Ser1347Asn]SEEEPELVFA